The following is an entry in ClinVar:

NM_001378452.1(ITPR1):c.7021A>G (p.Ile2341Val)

Gene: ITPR1 (inositol 1,4,5-trisphosphate receptor type 1; plus strand). Cytogenetic location: 3p26.1.
Variant type: single nucleotide variant.
Coding change: c.7021A>G on transcript NM_001378452.1 (MANE Select); coding-DNA position 7021, A replaced by G.
Protein change: p.Ile2341Val; replaces isoleucine 2341 with valine.
Molecular consequence: missense variant.
Genome position (GRCh38, 1-based): chr3:4,800,514, A>G. VCF-style: chr3-4800514-A-G. GRCh37 (hg19) VCF-style: chr3-4842198-A-G.
Other names: c.6877A>G, p.Ile2293Val (NM_001099952.4); c.6976A>G, p.Ile2326Val (NM_001168272.2); c.6832A>G, p.Ile2278Val (NM_002222.7); c.6976A>G (NM_001168272.1); short protein forms I2278V, I2293V, I2326V, I2341V.
Identifiers: ClinVar variation 1700941 (VCV001700941.3), dbSNP rs773512133, ClinGen allele CA2232757.

ClinVar aggregate classification (germline): Uncertain significance. Review status: criteria provided, multiple submitters, no conflicts (2 of 4 stars). 2 submissions from 2 submitters: Uncertain significance (2). Last evaluated 2025-11-05.

Allele frequency attached by ClinVar (database versions not stated): TOPMed below 0.00001; ExAC 0.00001; gnomAD exomes 0.00001.
gnomAD v4.1: 8 of 1,614,008 alleles (0.0005%); highest among the groups gnomAD compares: Non-Finnish European, 0.00068%; no homozygotes.

Submissions (2):

Athena Diagnostics
Classification: Uncertain significance. Last evaluated: 2025-11-05. Review status: criteria provided, single submitter. Criteria: Athena Diagnostics Criteria. Collection method: clinical testing. Allele origin: unknown.
Comment: Available data are insufficient to determine the clinical significance of the variant at this time. The frequency of this variant in the general population is uninformative in assessment of its pathogenicity. Polyphen and MutationTaster predict this amino acid change may be benign.

GeneDx
Classification: Uncertain significance. Last evaluated: 2022-02-11. Review status: criteria provided, single submitter. Criteria: GeneDx Variant Classification Process June 2021. Collection method: clinical testing. Allele origin: germline. Affected: yes.
Comment: In silico analysis supports that this missense variant does not alter protein structure/function; Has not been previously published as pathogenic or benign to our knowledge